The following is an entry in ClinVar:

NM_005908.4(MANBA):c.80G>A (p.Gly27Asp)

Genes: MANBA (mannosidase beta; minus strand), LOC129992886 (ATAC-STARR-seq lymphoblastoid active region 21757; plus strand). Cytogenetic location: 4q24.
Variant type: single nucleotide variant.
Coding change: c.80G>A on transcript NM_005908.4 (MANE Select); coding-DNA position 80, G replaced by A.
Protein change: p.Gly27Asp; replaces glycine 27 with aspartic acid.
Molecular consequence: missense variant.
Genome position (GRCh38, 1-based): chr4:102,760,815, C>T on the plus strand (G>A on the coding strand, the complement: MANBA is on the minus strand). VCF-style: chr4-102760815-C-T. GRCh37 (hg19) VCF-style: chr4-103681972-C-T.
Other names: short protein forms G27D.
Identifiers: ClinVar variation 2014751 (VCV002014751.4), dbSNP rs1327014966, ClinGen allele CA357961567.

ClinVar aggregate classification (germline): Uncertain significance (1 of 4 stars; one submission).

Conditions:
Beta-D-mannosidosis (MANSB). Also called: MANNOSIDOSIS, BETA A, LYSOSOMAL; BETA-MANNOSIDASE DEFICIENCY; LYSOSOMAL BETA-MANNOSIDASE DEFICIENCY; Beta-Mannosidosis. Identifiers: Orphanet 118, MedGen C4048196, MONDO:0009562, OMIM 248510.

Submission:

Labcorp Genetics (formerly Invitae), Labcorp
Classification: Uncertain significance for Beta-D-mannosidosis. Last evaluated: 2022-08-02. Review status: criteria provided, single submitter. Criteria: Invitae Variant Classification Sherloc (09022015). Collection method: clinical testing. Allele origin: germline.
Comment: In summary, the available evidence is currently insufficient to determine the role of this variant in disease. Therefore, it has been classified as a Variant of Uncertain Significance. Algorithms developed to predict the effect of missense changes on protein structure and function output the following: SIFT: "Deleterious"; PolyPhen-2: "Benign"; Align-GVGD: "Class C0". The aspartic acid amino acid residue is found in multiple mammalian species, which suggests that this missense change does not adversely affect protein function. This variant has not been reported in the literature in individuals affected with MANBA-related conditions. The frequency data for this variant in the population databases is considered unreliable, as metrics indicate poor data quality at this position in the gnomAD database. This sequence change replaces glycine, which is neutral and non-polar, with aspartic acid, which is acidic and polar, at codon 27 of the MANBA protein (p.Gly27Asp).